The following is an entry in ClinVar:

NM_000214.3(JAG1):c.3153del (p.Val1052fs)

Gene: JAG1 (jagged canonical Notch ligand 1; minus strand). Cytogenetic location: 20p12.2.
Variant type: Deletion.
Coding change: c.3153del on transcript NM_000214.3 (MANE Select); coding-DNA position 3153, one base deleted (C; older notation c.3153delC).
Protein change: p.Val1052fs; shifts the reading frame from valine 1052.
Molecular consequence: frameshift variant.
Genome position (GRCh38, 1-based): chr20:10,640,829, G deleted on the plus strand (C on the coding strand, the reverse complement: JAG1 is on the minus strand); the first of 2 consecutive G bases (chr20:10,640,829-10,640,830); deleting either gives the same sequence. VCF-style (leftmost placement, unchanged base first): chr20-10640828-CG-C. GRCh37 (hg19) VCF-style: chr20-10621476-CG-C.
Other names: short protein forms V1052fs.
Identifiers: ClinVar variation 2637309 (VCV002637309.3), dbSNP rs2514507811, ClinGen allele CA2695201388.
Genomic context (GRCh38, chr20:10,640,828, plus strand): 5'-CCACTTGACACCTACCTGTTCTGTTCTTCAGAGGCCGCCTCTGAACTCTTACTTCTGCAA[CG>C]GCAGCAATCAGCGAGCTGTTTCCATCACGTTTACTAACAAGATCGATTATTTTGTCAGTG-3'

ClinVar aggregate classification (germline): Likely pathogenic (0 of 4 stars; one submission).

Conditions:
JAG1-related disorder. Also called: JAG1-related condition; JAG1-related disorders.

Submission:

PreventionGenetics, part of Exact Sciences
Classification: Likely pathogenic for JAG1-related condition. Last evaluated: 2023-12-28. Review status: no assertion criteria provided. Collection method: clinical testing. Allele origin: germline.
Comment: The JAG1 c.3153delC variant is predicted to result in a frameshift and premature protein termination (p.Val1052Leufs*4). To our knowledge, this variant has not been reported in the literature or in a large population database, indicating this variant is rare. Frameshift variants in JAG1 are expected to be pathogenic. This variant is interpreted as likely pathogenic.